The following is an entry in ClinVar:

NM_001367624.2(ZNF469):c.3611A>G (p.Gln1204Arg)

Gene: ZNF469 (zinc finger protein 469; plus strand). Cytogenetic location: 16q24.2.
Variant type: single nucleotide variant.
Coding change: c.3611A>G on transcript NM_001367624.2 (MANE Select); coding-DNA position 3611, A replaced by G.
Protein change: p.Gln1204Arg; replaces glutamine 1204 with arginine.
Molecular consequence: missense variant.
Genome position (GRCh38, 1-based): chr16:88,431,081, A>G. VCF-style: chr16-88431081-A-G. GRCh37 (hg19) VCF-style: chr16-88497489-A-G.
Other names: NM_001127464.1:c.3527A>G; short protein forms Q1204R.
Identifiers: ClinVar variation 1675158 (VCV001675158.3), dbSNP rs1597208940, ClinGen allele CA397085453.

ClinVar aggregate classification (germline): Uncertain significance. Review status: criteria provided, multiple submitters, no conflicts (2 of 4 stars). 2 submissions from 2 submitters: Uncertain significance (2). Last evaluated 2022-02-04.

Conditions:
Brittle cornea syndrome 1 (BCS1). Also called: CORNEAL FRAGILITY, KERATOGLOBUS, BLUE SCLERAE, JOINT HYPEREXTENSIBILITY; EDS6B; FRAGILITAS OCULI WITH JOINT HYPEREXTENSIBILITY; Corneal fragility keratoglobus, blue sclerae AND joint hypermobility; DYSGENESIS MESODERMALIS CORNEAE ET SCLERAE. Identifiers: Orphanet 90354, MedGen C0268344, MONDO:0024543, OMIM 229200.
Cardiovascular phenotype. Identifiers: MedGen CN230736.

Allele frequency attached by ClinVar (database versions not stated): gnomAD exomes below 0.00001.
gnomAD v4.1: 2 of 1,549,946 alleles (0.00013%); highest among the groups gnomAD compares: East Asian, 0.0049%; no homozygotes.

Submissions (2):

Ambry Genetics
Classification: Uncertain significance for Cardiovascular phenotype. Last evaluated: 2022-02-04. Review status: criteria provided, single submitter. Criteria: Ambry Variant Classification Scheme 2023. Collection method: clinical testing. Allele origin: germline.
Comment: The p.Q1176R variant (also known as c.3527A>G), located in coding exon 2 of the ZNF469 gene, results from an A to G substitution at nucleotide position 3527. The glutamine at codon 1176 is replaced by arginine, an amino acid with highly similar properties. This amino acid position is conserved. In addition, this alteration is predicted to be tolerated by in silico analysis. Since supporting evidence is limited at this time, the clinical significance of this alteration remains unclear.

Center for Genomics, Ann and Robert H. Lurie Children's Hospital of Chicago
Classification: Uncertain significance for Brittle cornea syndrome 1. Last evaluated: 2021-07-12. Review status: criteria provided, single submitter. Criteria: ACMG Guidelines, 2015. Collection method: clinical testing. Allele origin: germline.
Comment: ZNF469 NM_001367624.1 exon 3 p.Gln1204Arg (c.3611A>G):This variant has not been reported in the literature and is not present in large control databases. Evolutionary conservation and computational predictive tools suggest that this variant may not impact the protein. In summary, data on this variant is insufficient for disease classification. Therefore, the clinical significance of this variant is uncertain.